The following is an entry in ClinVar:

ClinVar aggregate classification (germline): Benign (1 of 4 stars; one submission).

Allele frequency attached by ClinVar (database versions not stated): 1000 Genomes Project 30x 0.00016; gnomAD 0.00058.
gnomAD v4.1: 195 of 924,358 alleles (0.021%); highest among the groups gnomAD compares: Middle Eastern, 0.17%; no homozygotes.

Submission:

CeGaT Center for Human Genetics Tuebingen
Classification: Benign. Last evaluated: 2022-04-01. Review status: criteria provided, single submitter. Criteria: CeGaT Center For Human Genetics Tuebingen Variant Classification Criteria Version 2. Collection method: clinical testing. Allele origin: germline. Affected: yes. Observed: 1 variant allele.
Comment: POU3F3: BS1, BS2

NM_006236.3(POU3F3):c.90C>T (p.Gly30=)

Gene: POU3F3 (POU class 3 homeobox 3; plus strand). Cytogenetic location: 2q12.1.
Variant type: single nucleotide variant.
Coding change: c.90C>T on transcript NM_006236.3 (MANE Select); coding-DNA position 90, C replaced by T.
Protein change: p.Gly30=; no amino-acid change (glycine 30 retained).
Molecular consequence: synonymous variant.
Genome position (GRCh38, 1-based): chr2:104,855,600, C>T. VCF-style: chr2-104855600-C-T. GRCh37 (hg19) VCF-style: chr2-105472058-C-T.
Identifiers: ClinVar variation 2651214 (VCV002651214.24), dbSNP rs756985681, ClinGen allele CA1812887.
Genomic context (GRCh38, chr2:104,855,600, plus strand): 5'-GCCGGGGAACAGCCTGCTCGCGGCCGGCTCTATTGTGCACTCGGACGCGGCAGGGGCTGG[C>T]GGCGGCGGGGGTGGCGGCGGCGGCGGCGGCGGGGGCGGCGCAGGGGGCGGGGGCGGCGGC-3'
Protein context (NP_006227.1, residues 20-40): SIVHSDAAGA[Gly30=]GGGGGGGGGG